The following is an entry in ClinVar:

NM_015338.6(ASXL1):c.2641A>G (p.Arg881Gly)

Gene: ASXL1 (ASXL transcriptional regulator 1; plus strand). Cytogenetic location: 20q11.21.
Variant type: single nucleotide variant.
Coding change: c.2641A>G on transcript NM_015338.6 (MANE Select); coding-DNA position 2641, A replaced by G.
Protein change: p.Arg881Gly; replaces arginine 881 with glycine.
Molecular consequence: missense variant.
Genome position (GRCh38, 1-based): chr20:32,435,353, A>G. VCF-style: chr20-32435353-A-G. GRCh37 (hg19) VCF-style: chr20-31023156-A-G.
Other names: c.2458A>G, p.Arg820Gly (NM_001363734.1); short protein forms R820G, R881G.
Identifiers: ClinVar variation 5030091 (VCV005030091.1).

ClinVar aggregate classification (germline): Uncertain significance (1 of 4 stars; one submission).

Conditions:
Inborn genetic diseases. Identifiers: MedGen C0950123, MeSH D030342.

Submission:

Ambry Genetics
Classification: Uncertain significance for Inborn genetic diseases. Last evaluated: 2026-07-27. Review status: criteria provided, single submitter. Criteria: Ambry Variant Classification Scheme 2023. Collection method: clinical testing. Allele origin: germline.
Comment: The p.R881G variant (also known as c.2641A>G), located in coding exon 13 of the ASXL1 gene, results from an A to G substitution at nucleotide position 2641. The arginine at codon 881 is replaced by glycine, an amino acid with dissimilar properties. This amino acid position is conserved. In addition, this alteration is predicted to be tolerated by in silico analysis. Based on the available evidence, the clinical significance of this variant remains unclear.